The following is an entry in ClinVar:

NM_020964.3(EPG5):c.2069G>A (p.Arg690Lys)

Gene: EPG5 (ectopic P-granules 5 autophagy tethering factor; minus strand). Cytogenetic location: 18q21.1.
Variant type: single nucleotide variant.
Coding change: c.2069G>A on transcript NM_020964.3 (MANE Select); coding-DNA position 2069, G replaced by A.
Protein change: p.Arg690Lys; replaces arginine 690 with lysine.
Molecular consequence: missense variant.
Genome position (GRCh38, 1-based): chr18:45,939,630, C>T on the plus strand (G>A on the coding strand, the complement: EPG5 is on the minus strand). VCF-style: chr18-45939630-C-T. GRCh37 (hg19) VCF-style: chr18-43519596-C-T.
Other names: c.2069G>A, p.Arg690Lys (LRG_1234t1); short protein forms R690K.
Identifiers: ClinVar variation 569574 (VCV000569574.9), dbSNP rs1568173320, ClinGen allele CA402347929.

ClinVar aggregate classification (germline): Uncertain significance (1 of 4 stars; one submission).

Conditions:
Vici syndrome (VICIS). Identifiers: Orphanet 1493, MedGen C1855772, MONDO:0009452, OMIM 242840.

Submission:

Labcorp Genetics (formerly Invitae), Labcorp
Classification: Uncertain significance for Vici syndrome. Last evaluated: 2018-04-12. Review status: criteria provided, single submitter. Criteria: Invitae Variant Classification Sherloc (09022015). Collection method: clinical testing. Allele origin: germline.
Comment: This sequence change replaces arginine with lysine at codon 690 of the EPG5 protein (p.Arg690Lys). The arginine residue is moderately conserved and there is a small physicochemical difference between arginine and lysine. This variant is not present in population databases (ExAC no frequency). This variant has not been reported in the literature in individuals with EPG5-related disease. Algorithms developed to predict the effect of missense changes on protein structure and function do not agree on the potential impact of this missense change (SIFT: "Tolerated"; PolyPhen-2: "Possibly Damaging"; Align-GVGD: "Class C0"). Algorithms developed to predict the effect of sequence changes on RNA splicing suggest that this variant may create or strengthen a splice site, but this prediction has not been confirmed by published transcriptional studies. In summary, the available evidence is currently insufficient to determine the role of this variant in disease. Therefore, it has been classified as a Variant of Uncertain Significance.